The following is an entry in ClinVar:

ClinVar aggregate classification (germline): Pathogenic. Review status: criteria provided, multiple submitters, no conflicts (2 of 4 stars). 2 submissions from 2 submitters: Pathogenic (2). Last evaluated 2026-01-26.

Conditions:
Neurofibromatosis, type 1 (NF1). Also called: Peripheral type neurofibromatosis; NEUROFIBROMATOSIS, TYPE I, SOMATIC; VON RECKLINGHAUSEN DISEASE; Neurofibromatosis, type I. Identifiers: Orphanet 636, MedGen C0027831, MONDO:0018975, OMIM 162200. Disease mechanism: loss of function.

Submissions (2):

Medical and Scientific Branch, Hong Kong Genome Institute
Classification: Pathogenic for Neurofibromatosis, type 1. Last evaluated: 2026-01-26. Review status: criteria provided, single submitter. Criteria: ACMG Guidelines, 2015. Collection method: clinical testing. Allele origin: unknown. Affected: yes.

Labcorp Genetics (formerly Invitae), Labcorp
Classification: Pathogenic for Neurofibromatosis, type 1. Last evaluated: 2023-12-10. Review status: criteria provided, single submitter. Criteria: Invitae Variant Classification Sherloc (09022015). Collection method: clinical testing. Allele origin: germline.
Comment: This sequence change replaces aspartic acid, which is acidic and polar, with glycine, which is neutral and non-polar, at codon 1217 of the NF1 protein (p.Asp1217Gly). This variant is not present in population databases (gnomAD no frequency). This missense change has been observed in individual(s) with neurofibromatosis type 1 (PMID: 26635368, 33443663). In at least one individual the variant was observed to be de novo. ClinVar contains an entry for this variant (Variation ID: 2099059). Advanced modeling of protein sequence and biophysical properties (such as structural, functional, and spatial information, amino acid conservation, physicochemical variation, residue mobility, and thermodynamic stability) performed at Invitae indicates that this missense variant is expected to disrupt NF1 protein function with a positive predictive value of 95%. Experimental studies have shown that this missense change affects NF1 function (PMID: 26635368). This variant disrupts the p.Asp1217 amino acid residue in NF1. Other variant(s) that disrupt this residue have been determined to be pathogenic (PMID: 27322474; Invitae). This suggests that this residue is clinically significant, and that variants that disrupt this residue are likely to be disease-causing. For these reasons, this variant has been classified as Pathogenic.

Literature cited by the submitters: PubMed 26635368 (cited by Labcorp Genetics (formerly Invitae), Labcorp); PubMed 33443663 (cited by Labcorp Genetics (formerly Invitae), Labcorp); PubMed 27322474 (cited by Labcorp Genetics (formerly Invitae), Labcorp).

NM_001042492.3(NF1):c.3650A>G (p.Asp1217Gly)

Gene: NF1 (neurofibromin 1; plus strand). Cytogenetic location: 17q11.2.
Variant type: single nucleotide variant.
Coding change: c.3650A>G on transcript NM_001042492.3 (MANE Select); coding-DNA position 3650, A replaced by G.
Protein change: p.Asp1217Gly; replaces aspartic acid 1217 with glycine.
Molecular consequence: missense variant.
Genome position (GRCh38, 1-based): chr17:31,233,155, A>G. VCF-style: chr17-31233155-A-G. GRCh37 (hg19) VCF-style: chr17-29560173-A-G.
Other names: c.3650A>G, p.Asp1217Gly (NM_000267.4); short protein forms D1217G.
Identifiers: ClinVar variation 2099059 (VCV002099059.5), dbSNP rs2151435688, ClinGen allele CA398990462.